The following is an entry in ClinVar:

NM_006231.4(POLE):c.5652C>G (p.Ile1884Met)

Gene: POLE (DNA polymerase epsilon, catalytic subunit; minus strand). Cytogenetic location: 12q24.33.
Variant type: single nucleotide variant.
Coding change: c.5652C>G on transcript NM_006231.4 (MANE Select); coding-DNA position 5652, C replaced by G.
Protein change: p.Ile1884Met; replaces isoleucine 1884 with methionine.
Molecular consequence: missense variant.
Genome position (GRCh38, 1-based): chr12:132,638,040, G>C on the plus strand (C>G on the coding strand, the complement: POLE is on the minus strand). VCF-style: chr12-132638040-G-C. GRCh37 (hg19) VCF-style: chr12-133214626-G-C.
Other names: c.5652C>G (NM_006231.2); short protein forms I1884M.
Identifiers: ClinVar variation 2109899 (VCV002109899.6), dbSNP rs567300887, ClinGen allele CA387373976.
Genomic context (GRCh38, chr12:132,638,040, plus strand): 5'-ACAGTGCTGCGTCACCAGGACCAGCCAGCCGCACCTGCTGGTGATGTACTCCACGTAAGC[G>C]ATGGCATCTTCCACACGGCGCTTCTTTGTACAGAGGATGATGCGGTTGAAGTTGGCGTAG-3'
Protein context (NP_006222.2, residues 1874-1894): CTKKRRVEDA[Ile1884Met]AYVEYITSSI

ClinVar aggregate classification (germline): Uncertain significance. Review status: criteria provided, multiple submitters, no conflicts (2 of 4 stars). 2 submissions from 2 submitters: Uncertain significance (2). Last evaluated 2023-01-08.

Conditions:
Hereditary cancer-predisposing syndrome. Also called: Neoplastic Syndromes, Hereditary; Hereditary Cancer Syndrome; Hereditary neoplastic syndrome; Tumor predisposition. Identifiers: Orphanet 140162, MedGen C0027672, MeSH D009386, MONDO:0015356.

Submissions (2):

Ambry Genetics
Classification: Uncertain significance for Hereditary cancer-predisposing syndrome. Last evaluated: 2023-01-08. Review status: criteria provided, single submitter. Criteria: Ambry Variant Classification Scheme 2023. Collection method: clinical testing. Allele origin: germline.
Comment: The p.I1884M variant (also known as c.5652C>G), located in coding exon 41 of the POLE gene, results from a C to G substitution at nucleotide position 5652. The isoleucine at codon 1884 is replaced by methionine, an amino acid with highly similar properties. This amino acid position is conserved. In addition, this alteration is predicted to be tolerated by in silico analysis. Since supporting evidence is limited at this time, the clinical significance of this alteration remains unclear.

Labcorp Genetics (formerly Invitae), Labcorp
Classification: Uncertain significance. Last evaluated: 2022-04-06. Review status: criteria provided, single submitter. Criteria: Invitae Variant Classification Sherloc (09022015). Collection method: clinical testing. Allele origin: germline.
Comment: This variant is not present in population databases (gnomAD no frequency). In summary, the available evidence is currently insufficient to determine the role of this variant in disease. Therefore, it has been classified as a Variant of Uncertain Significance. Algorithms developed to predict the effect of missense changes on protein structure and function (SIFT, PolyPhen-2, Align-GVGD) all suggest that this variant is likely to be tolerated. This variant has not been reported in the literature in individuals affected with POLE-related conditions. This sequence change replaces isoleucine, which is neutral and non-polar, with methionine, which is neutral and non-polar, at codon 1884 of the POLE protein (p.Ile1884Met).